The following is an entry in ClinVar:

ClinVar aggregate classification (germline): Uncertain significance. Review status: criteria provided, multiple submitters, no conflicts (2 of 4 stars). 3 submissions from 3 submitters: Uncertain significance (3). Last evaluated 2025-07-28.

Conditions:
Tuberous sclerosis syndrome (TSC). Also called: Tuberous Sclerosis Complex; Tuberous sclerosis. Identifiers: Orphanet 805, MedGen C0041341, MONDO:0001734.
Hereditary cancer-predisposing syndrome. Also called: Tumor predisposition; Hereditary Cancer Syndrome; Neoplastic Syndromes, Hereditary; Hereditary neoplastic syndrome. Identifiers: Orphanet 140162, MedGen C0027672, MeSH D009386, MONDO:0015356.
Tuberous sclerosis 1 (TSC1). Identifiers: Orphanet 805, MedGen C1854465, MONDO:0008612, OMIM 191100.

Submissions (3):

Ambry Genetics
Classification: Uncertain significance for Hereditary cancer-predisposing syndrome. Last evaluated: 2025-07-28. Review status: criteria provided, single submitter. Criteria: Ambry Variant Classification Scheme 2023. Collection method: clinical testing. Allele origin: germline.
Comment: The p.E218D variant (also known as c.654A>C), located in coding exon 5 of the TSC1 gene, results from an A to C substitution at nucleotide position 654. The glutamic acid at codon 218 is replaced by aspartic acid, an amino acid with highly similar properties. This amino acid position is conserved. In addition, the in silico prediction for this alteration is inconclusive. Based on the available evidence, the clinical significance of this variant remains unclear.

Labcorp Genetics (formerly Invitae), Labcorp
Classification: Uncertain significance for Tuberous sclerosis 1. Last evaluated: 2024-08-13. Review status: criteria provided, single submitter. Criteria: Invitae Variant Classification Sherloc (09022015). Collection method: clinical testing. Allele origin: germline.
Comment: This sequence change replaces glutamic acid, which is acidic and polar, with aspartic acid, which is acidic and polar, at codon 218 of the TSC1 protein (p.Glu218Asp). This variant is not present in population databases (gnomAD no frequency). This variant has not been reported in the literature in individuals affected with TSC1-related conditions. ClinVar contains an entry for this variant (Variation ID: 2112769). Advanced modeling of protein sequence and biophysical properties (such as structural, functional, and spatial information, amino acid conservation, physicochemical variation, residue mobility, and thermodynamic stability) performed at Invitae indicates that this missense variant is not expected to disrupt TSC1 protein function with a negative predictive value of 95%. In summary, the available evidence is currently insufficient to determine the role of this variant in disease. Therefore, it has been classified as a Variant of Uncertain Significance.

All of Us Research Program, National Institutes of Health
Classification: Uncertain significance for Tuberous sclerosis syndrome. Last evaluated: 2024-03-05. Review status: criteria provided, single submitter. Criteria: ACMG Guidelines, 2015. Collection method: clinical testing. Allele origin: germline. Inheritance: Autosomal dominant inheritance. Observed: 1 variant allele, 1 heterozygote.
Comment: This study involves interpretation of variants in research participants for the purpose of population health screening. Participant phenotype was not available at the time of variant classification. Additional details can be found in publication PMID: 35346344, PMCID: PMC8962531

NM_000368.5(TSC1):c.654A>C (p.Glu218Asp)

Gene: TSC1 (TSC complex subunit 1; minus strand). Cytogenetic location: 9q34.13.
Variant type: single nucleotide variant.
Coding change: c.654A>C on transcript NM_000368.5 (MANE Select); coding-DNA position 654, A replaced by C.
Protein change: p.Glu218Asp; replaces glutamic acid 218 with aspartic acid.
Molecular consequence: missense variant.
Genome position (GRCh38, 1-based): chr9:132,921,828, T>G on the plus strand (A>C on the coding strand, the complement: TSC1 is on the minus strand). VCF-style: chr9-132921828-T-G. GRCh37 (hg19) VCF-style: chr9-135797215-T-G.
Other names: c.654A>C, p.Glu218Asp (NM_001162426.2, NM_001406592.1, NM_001406593.1 and 16 more transcripts); c.501A>C, p.Glu167Asp (NM_001162427.2, NM_001406610.1, NM_001406611.1 and 2 more transcripts); c.291A>C, p.Glu97Asp (NM_001362177.2, NM_001406614.1, NM_001406615.1 and 10 more transcripts); c.-224A>C (NM_001406626.1, NM_001406627.1, NM_001406628.1); c.-366A>C (NM_001406629.1); c.-440A>C (NM_001406630.1); short protein forms E97D, E218D, E167D.
Identifiers: ClinVar variation 2112769 (VCV002112769.6), dbSNP rs2539008409, ClinGen allele CA375371652.